The following is an entry in ClinVar:

ClinVar aggregate classification (germline): Uncertain significance. Review status: criteria provided, multiple submitters, no conflicts (2 of 4 stars). 3 submissions from 3 submitters: Uncertain significance (3). Last evaluated 2026-01-22.

Conditions:
Hereditary cancer-predisposing syndrome. Also called: Tumor predisposition; Hereditary Cancer Syndrome; Hereditary neoplastic syndrome; Neoplastic Syndromes, Hereditary. Identifiers: Orphanet 140162, MedGen C0027672, MeSH D009386, MONDO:0015356.

gnomAD v4.1: 1 of 1,614,026 alleles (0.000062%); no homozygotes.

Submissions (3):

Ambry Genetics
Classification: Uncertain significance for Hereditary cancer-predisposing syndrome. Last evaluated: 2026-01-22. Review status: criteria provided, single submitter. Criteria: Ambry Variant Classification Scheme 2023. Collection method: clinical testing. Allele origin: germline.
Comment: The p.V419M variant (also known as c.1255G>A), located in coding exon 13 of the POLE gene, results from a G to A substitution at nucleotide position 1255. The valine at codon 419 is replaced by methionine, an amino acid with highly similar properties. This amino acid position is conserved. In addition, this alteration is predicted to be tolerated by in silico analysis. Based on the available evidence, the clinical significance of this variant remains unclear.

Center for Genomic Medicine, Rigshospitalet, Copenhagen University Hospital
Classification: Uncertain significance. Last evaluated: 2025-03-04. Review status: criteria provided, single submitter. Criteria: ACMG Guidelines, 2015. Collection method: clinical testing. Allele origin: germline.

Labcorp Genetics (formerly Invitae), Labcorp
Classification: Uncertain significance. Last evaluated: 2024-12-02. Review status: criteria provided, single submitter. Criteria: Invitae Variant Classification Sherloc (09022015). Collection method: clinical testing. Allele origin: germline.
Comment: This sequence change replaces valine, which is neutral and non-polar, with methionine, which is neutral and non-polar, at codon 419 of the POLE protein (p.Val419Met). This variant is not present in population databases (gnomAD no frequency). This variant has not been reported in the literature in individuals affected with POLE-related conditions. Invitae Evidence Modeling of protein sequence and biophysical properties (such as structural, functional, and spatial information, amino acid conservation, physicochemical variation, residue mobility, and thermodynamic stability) indicates that this missense variant is not expected to disrupt POLE protein function with a negative predictive value of 80%. In summary, the available evidence is currently insufficient to determine the role of this variant in disease. Therefore, it has been classified as a Variant of Uncertain Significance.

NM_006231.4(POLE):c.1255G>A (p.Val419Met)

Gene: POLE (DNA polymerase epsilon, catalytic subunit; minus strand). Cytogenetic location: 12q24.33.
Variant type: single nucleotide variant.
Coding change: c.1255G>A on transcript NM_006231.4 (MANE Select); coding-DNA position 1255, G replaced by A.
Protein change: p.Val419Met; replaces valine 419 with methionine.
Molecular consequence: missense variant.
Genome position (GRCh38, 1-based): chr12:132,673,679, C>T on the plus strand (G>A on the coding strand, the complement: POLE is on the minus strand). VCF-style: chr12-132673679-C-T. GRCh37 (hg19) VCF-style: chr12-133250265-C-T.
Other names: c.1255G>A (NM_006231.2); short protein forms V419M.
Identifiers: ClinVar variation 3256248 (VCV003256248.5).